The following is an entry in ClinVar:

NM_018136.5(ASPM):c.6613C>A (p.Gln2205Lys)

Gene: ASPM (assembly factor for spindle microtubules; minus strand). Cytogenetic location: 1q31.3.
Variant type: single nucleotide variant.
Coding change: c.6613C>A on transcript NM_018136.5 (MANE Select); coding-DNA position 6613, C replaced by A.
Protein change: p.Gln2205Lys; replaces glutamine 2205 with lysine.
Molecular consequence: missense variant. On other transcripts: intron variant (1).
Genome position (GRCh38, 1-based): chr1:197,102,638, G>T on the plus strand (C>A on the coding strand, the complement: ASPM is on the minus strand). VCF-style: chr1-197102638-G-T. GRCh37 (hg19) VCF-style: chr1-197071768-G-T.
Other names: c.4066-6474C>A (NM_001206846.2); short protein forms Q2205K.
Identifiers: ClinVar variation 1907662 (VCV001907662.5), dbSNP rs144892933, ClinGen allele CA1309558.

ClinVar aggregate classification (germline): Uncertain significance (1 of 4 stars; one submission).

Allele frequency attached by ClinVar (database versions not stated): gnomAD 0.00001; TOPMed 0.00003; ESP Exome Variant Server 0.00008.

Submission:

Labcorp Genetics (formerly Invitae), Labcorp
Classification: Uncertain significance. Last evaluated: 2022-06-30. Review status: criteria provided, single submitter. Criteria: Invitae Variant Classification Sherloc (09022015). Collection method: clinical testing. Allele origin: germline.
Comment: Algorithms developed to predict the effect of missense changes on protein structure and function are either unavailable or do not agree on the potential impact of this missense change (SIFT: "Tolerated"; PolyPhen-2: "Possibly Damaging"; Align-GVGD: "Class C0"). This sequence change replaces glutamine, which is neutral and polar, with lysine, which is basic and polar, at codon 2205 of the ASPM protein (p.Gln2205Lys). This variant is present in population databases (rs144892933, gnomAD 0.003%). This variant has not been reported in the literature in individuals affected with ASPM-related conditions. In summary, the available evidence is currently insufficient to determine the role of this variant in disease. Therefore, it has been classified as a Variant of Uncertain Significance.